The following is an entry in ClinVar:

NM_006509.4(RELB):c.1359G>A (p.Pro453=)

Gene: RELB (RELB proto-oncogene, NF-kB subunit; plus strand). Cytogenetic location: 19q13.32.
Variant type: single nucleotide variant.
Coding change: c.1359G>A on transcript NM_006509.4 (MANE Select); coding-DNA position 1359, G replaced by A.
Protein change: p.Pro453=; no amino-acid change (proline 453 retained).
Molecular consequence: synonymous variant.
Genome position (GRCh38, 1-based): chr19:45,037,409, G>A. VCF-style: chr19-45037409-G-A. GRCh37 (hg19) VCF-style: chr19-45540667-G-A.
Other names: c.1350G>A, p.Pro450= (NM_001411087.1).
Identifiers: ClinVar variation 3043512 (VCV003043512.4), dbSNP rs767372545, ClinGen allele CA9507854.

ClinVar aggregate classification (germline): Likely benign. Review status: criteria provided, single submitter (1 of 4 stars). 2 submissions from 2 submitters: Likely benign (1). 1 of the submissions does not count toward it. Last evaluated 2025-05-13.

Conditions:
RELB-related disorder. Also called: RELB-related condition.

Allele frequency attached by ClinVar (database versions not stated): gnomAD 0.00001.
gnomAD v4.1: 15 of 1,568,154 alleles (0.00096%); highest among the groups gnomAD compares: Admixed American, 0.0056%; no homozygotes.

Submissions (2):

Labcorp Genetics (formerly Invitae), Labcorp
Classification: Likely benign. Last evaluated: 2025-05-13. Review status: criteria provided, single submitter. Criteria: Invitae Variant Classification Sherloc (09022015). Collection method: clinical testing. Allele origin: germline.

PreventionGenetics, part of Exact Sciences
Classification: Likely benign for RELB-related condition. Last evaluated: 2019-07-02. Review status: no assertion criteria provided. Collection method: clinical testing. Allele origin: germline. Not counted in ClinVar's aggregate classification.
Comment: This variant is classified as likely benign based on ACMG/AMP sequence variant interpretation guidelines (Richards et al. 2015 PMID: 25741868, with internal and published modifications).